The following is an entry in ClinVar:

ClinVar aggregate classification (germline): Uncertain significance (1 of 4 stars; one submission).

gnomAD v4.1: 1 of 1,614,166 alleles (0.000062%); highest among the groups gnomAD compares: Non-Finnish European, 0.000085%; no homozygotes.

Submission:

Ambry Genetics
Classification: Uncertain significance. Last evaluated: 2021-11-13. Review status: criteria provided, single submitter. Criteria: Ambry Variant Classification Scheme 2023. Collection method: clinical testing. Allele origin: germline.
Comment: The p.F236L variant (also known as c.708T>G), located in coding exon 4 of the MNDA gene, results from a T to G substitution at nucleotide position 708. The phenylalanine at codon 236 is replaced by leucine, an amino acid with highly similar properties. This amino acid position is conserved. In addition, this alteration is predicted to be tolerated by in silico analysis. Since supporting evidence is limited at this time, the clinical significance of this alteration remains unclear.

NM_002432.3(MNDA):c.708T>G (p.Phe236Leu)

Gene: MNDA (myeloid cell nuclear differentiation antigen; plus strand). Cytogenetic location: 1q23.1.
Variant type: single nucleotide variant.
Coding change: c.708T>G on transcript NM_002432.3 (MANE Select); coding-DNA position 708, T replaced by G.
Protein change: p.Phe236Leu; replaces phenylalanine 236 with leucine.
Molecular consequence: missense variant.
Genome position (GRCh38, 1-based): chr1:158,845,724, T>G. VCF-style: chr1-158845724-T-G. GRCh37 (hg19) VCF-style: chr1-158815514-T-G.
Other names: short protein forms F236L.
Identifiers: ClinVar variation 1757099 (VCV001757099.2), dbSNP rs569229227, ClinGen allele CA343041165.